The following is an entry in ClinVar:

ClinVar aggregate classification (germline): Uncertain significance (1 of 4 stars; one submission).

Conditions:
Long QT syndrome (LQTS). Identifiers: MedGen C0023976, MeSH D008133, MONDO:0002442. Disease mechanism: loss of function. Inheritance: Various modes of inheritance.

Allele frequency attached by ClinVar (database versions not stated): ExAC 0.00001; gnomAD exomes 0.00001; TOPMed 0.00001.
gnomAD v4.1: 8 of 1,613,854 alleles (0.0005%); highest among the groups gnomAD compares: Middle Eastern, 0.017%; no homozygotes.

Submission:

Labcorp Genetics (formerly Invitae), Labcorp
Classification: Uncertain significance for Long QT syndrome. Last evaluated: 2025-05-05. Review status: criteria provided, single submitter. Criteria: Invitae Variant Classification Sherloc (09022015). Collection method: clinical testing. Allele origin: germline.
Comment: This sequence change replaces glutamine, which is neutral and polar, with histidine, which is basic and polar, at codon 192 of the AKAP9 protein (p.Gln192His). This variant is not present in population databases (gnomAD no frequency). This variant has not been reported in the literature in individuals affected with AKAP9-related conditions. ClinVar contains an entry for this variant (Variation ID: 1403426). An algorithm developed to predict the effect of missense changes on protein structure and function (PolyPhen-2) suggests that this variant is likely to be disruptive. In summary, the available evidence is currently insufficient to determine the role of this variant in disease. Therefore, it has been classified as a Variant of Uncertain Significance.

NM_005751.5(AKAP9):c.576G>C (p.Gln192His)

Gene: AKAP9 (A-kinase anchoring protein 9; plus strand). Cytogenetic location: 7q21.2.
Variant type: single nucleotide variant.
Coding change: c.576G>C on transcript NM_005751.5 (MANE Select); coding-DNA position 576, G replaced by C.
Protein change: p.Gln192His; replaces glutamine 192 with histidine.
Molecular consequence: missense variant.
Genome position (GRCh38, 1-based): chr7:91,993,055, G>C. VCF-style: chr7-91993055-G-C. GRCh37 (hg19) VCF-style: chr7-91622369-G-C.
Other names: c.576G>C, p.Gln192His (NM_147185.3); short protein forms Q192H.
Identifiers: ClinVar variation 1403426 (VCV001403426.8), dbSNP rs749763833, ClinGen allele CA4335843.
Genomic context (GRCh38, chr7:91,993,055, plus strand): 5'-AGAGCTAAACAGAGAGCTGGAAGAAATGAGGGTTACCTATGGGACTGAAGGACTGCAGCA[G>C]GTATGTTTATTTTCTGTGGCTTTTGATTTGCTACTCACAAAAACAAAAACAGGAAATGTG-3'
Protein context (NP_005742.4, residues 182-202): RVTYGTEGLQ[Gln192His]LQEFEAAIKQ